The following is an entry in ClinVar:

ClinVar aggregate classification (germline): Uncertain significance (1 of 4 stars; one submission).

Conditions:
Inborn genetic diseases. Identifiers: MedGen C0950123, MeSH D030342.

Allele frequency attached by ClinVar (database versions not stated): gnomAD 0.00002; gnomAD exomes below 0.00001 and 0.00007; ExAC 0.00001; TOPMed 0.00002.
gnomAD v4.1: 103 of 1,612,002 alleles (0.0064%); highest among the groups gnomAD compares: Non-Finnish European, 0.0085%; no homozygotes.

Submission:

Ambry Genetics
Classification: Uncertain significance for Inborn genetic diseases. Last evaluated: 2025-11-17. Review status: criteria provided, single submitter. Criteria: Ambry Variant Classification Scheme 2023. Collection method: clinical testing. Allele origin: germline.
Comment: The c.1182+4T>A intronic alteration consists of a T to A substitution nucleotides after coding exon 8 in the FOXP2 gene. Based on data from gnomAD, the A allele has an overall frequency of 0.001% (3/281598) total alleles studied. The highest observed frequency was 0.002% (3/128474) of European (non-Finnish) alleles. Based on insufficient or conflicting evidence, the clinical significance of this alteration remains unclear.

NM_014491.4(FOXP2):c.1182+4T>A

Gene: FOXP2 (forkhead box P2; plus strand). Cytogenetic location: 7q31.1.
Variant type: single nucleotide variant.
Coding change: c.1182+4T>A on transcript NM_014491.4 (MANE Select); 4 bases into the intron after coding-DNA position 1182, T replaced by A.
Molecular consequence: intron variant.
Genome position (GRCh38, 1-based): chr7:114,652,294, T>A. VCF-style: chr7-114652294-T-A. GRCh37 (hg19) VCF-style: chr7-114292349-T-A.
Other names: c.1257+4T>A (NM_148898.4, NM_001172767.2); c.1233+4T>A (NM_148900.4); c.1179+4T>A (NM_001172766.3); c.1182+4T>A (NM_148899.3).
Identifiers: ClinVar variation 588273 (VCV000588273.6), dbSNP rs768484979, ClinGen allele CA4446007.